The following is an entry in ClinVar:

ClinVar aggregate classification (germline): Uncertain significance. Review status: criteria provided, multiple submitters, no conflicts (2 of 4 stars). 2 submissions from 2 submitters: Uncertain significance (2). Last evaluated 2023-03-13.

Conditions:
Inborn genetic diseases. Identifiers: MedGen C0950123, MeSH D030342.
Autosomal recessive polycystic kidney disease (ARPKD). Also called: AR polycystic kidney disease. Identifiers: Orphanet 731, Orphanet 8378, MedGen C0085548, MeSH D017044, MONDO:0009889.

Allele frequency attached by ClinVar (database versions not stated): gnomAD 0.00001.
gnomAD v4.1: 17 of 1,612,918 alleles (0.0011%); highest among the groups gnomAD compares: Non-Finnish European, 0.0014%; no homozygotes.

Submissions (2):

Ambry Genetics
Classification: Uncertain significance for Inborn genetic diseases. Last evaluated: 2023-03-13. Review status: criteria provided, single submitter. Criteria: Ambry Variant Classification Scheme 2023. Collection method: clinical testing. Allele origin: germline.

Labcorp Genetics (formerly Invitae), Labcorp
Classification: Uncertain significance for Autosomal recessive polycystic kidney disease. Last evaluated: 2022-06-22. Review status: criteria provided, single submitter. Criteria: Invitae Variant Classification Sherloc (09022015). Collection method: clinical testing. Allele origin: germline.
Comment: This sequence change replaces cysteine, which is neutral and slightly polar, with tyrosine, which is neutral and polar, at codon 2169 of the PKHD1 protein (p.Cys2169Tyr). This variant is present in population databases (rs757717736, gnomAD 0.009%). This variant has not been reported in the literature in individuals affected with PKHD1-related conditions. Advanced modeling of protein sequence and biophysical properties (such as structural, functional, and spatial information, amino acid conservation, physicochemical variation, residue mobility, and thermodynamic stability) performed at Invitae indicates that this missense variant is expected to disrupt PKHD1 protein function. In summary, the available evidence is currently insufficient to determine the role of this variant in disease. Therefore, it has been classified as a Variant of Uncertain Significance.

NM_138694.4(PKHD1):c.6506G>A (p.Cys2169Tyr)

Gene: PKHD1 (PKHD1 ciliary IPT domain containing fibrocystin/polyductin; minus strand). Cytogenetic location: 6p12.2.
Variant type: single nucleotide variant.
Coding change: c.6506G>A on transcript NM_138694.4 (MANE Select); coding-DNA position 6506, G replaced by A.
Protein change: p.Cys2169Tyr; replaces cysteine 2169 with tyrosine.
Molecular consequence: missense variant.
Genome position (GRCh38, 1-based): chr6:51,909,459, C>T on the plus strand (G>A on the coding strand, the complement: PKHD1 is on the minus strand). VCF-style: chr6-51909459-C-T. GRCh37 (hg19) VCF-style: chr6-51774257-C-T.
Other names: c.6506G>A, p.Cys2169Tyr (NM_170724.3); c.6506G>A (NM_138694.3); short protein forms C2169Y.
Identifiers: ClinVar variation 1985998 (VCV001985998.3), dbSNP rs757717736, ClinGen allele CA3852235.